The following is an entry in ClinVar:

ClinVar aggregate classification (germline): Uncertain significance (1 of 4 stars; one submission).

Submission:

Women's Health and Genetics/Laboratory Corporation of America, LabCorp
Classification: Uncertain significance. Last evaluated: 2024-09-23. Review status: criteria provided, single submitter. Criteria: LabCorp Variant Classification Summary - May 2015. Collection method: clinical testing. Allele origin: germline.
Comment: Variant summary: FOXP2 c.1472T>C (p.Ile491Thr) results in a non-conservative amino acid change in the encoded protein sequence. Five of five in-silico tools predict a damaging effect of the variant on protein function. The variant was absent in 250526 control chromosomes. The available data on variant occurrences in the general population are insufficient to allow any conclusion about variant significance. To our knowledge, no occurrence of c.1472T>C in individuals affected with Speech-Language Disorder 1 and no experimental evidence demonstrating its impact on protein function have been reported. No submitters have cited clinical-significance assessments for this variant to ClinVar. Based on the evidence outlined above, the variant was classified as uncertain significance.

NM_014491.4(FOXP2):c.1472T>C (p.Ile491Thr)

Gene: FOXP2 (forkhead box P2; plus strand). Cytogenetic location: 7q31.1.
Variant type: single nucleotide variant.
Coding change: c.1472T>C on transcript NM_014491.4 (MANE Select); coding-DNA position 1472, T replaced by C.
Protein change: p.Ile491Thr; replaces isoleucine 491 with threonine.
Molecular consequence: missense variant. On other transcripts: non-coding transcript variant (2).
Genome position (GRCh38, 1-based): chr7:114,659,359, T>C. VCF-style: chr7-114659359-T-C. GRCh37 (hg19) VCF-style: chr7-114299414-T-C.
Other names: c.1469T>C, p.Ile490Thr (NM_001172766.3); c.1547T>C, p.Ile516Thr (NM_148898.4); c.1523T>C, p.Ile508Thr (NM_148900.4); short protein forms I490T, I491T, I508T, I516T.
Identifiers: ClinVar variation 3375316 (VCV003375316.1).